The following is an entry in ClinVar:

ClinVar aggregate classification (germline): Uncertain significance (1 of 4 stars; one submission).

gnomAD v4.1: 1 of 1,614,098 alleles (0.000062%); highest among the groups gnomAD compares: African/African-American, 0.0013%; no homozygotes.

Submission:

GeneDx
Classification: Uncertain significance. Last evaluated: 2024-11-18. Review status: criteria provided, single submitter. Criteria: GeneDx Variant Classification Process June 2021. Collection method: clinical testing. Allele origin: germline. Affected: yes.
Comment: Not observed at significant frequency in large population cohorts (gnomAD); In silico analysis indicates that this missense variant does not alter protein structure/function; Has not been previously published as pathogenic or benign to our knowledge

NM_001330288.2(SMARCC2):c.2457G>C (p.Glu819Asp)

Gene: SMARCC2 (SWI/SNF related BAF chromatin remodeling complex subunit C2; minus strand). Cytogenetic location: 12q13.2.
Variant type: single nucleotide variant.
Coding change: c.2457G>C on transcript NM_001330288.2 (MANE Select); coding-DNA position 2457, G replaced by C.
Protein change: p.Glu819Asp; replaces glutamic acid 819 with aspartic acid.
Molecular consequence: missense variant.
Genome position (GRCh38, 1-based): chr12:56,169,867, C>G on the plus strand (G>C on the coding strand, the complement: SMARCC2 is on the minus strand). VCF-style: chr12-56169867-C-G. GRCh37 (hg19) VCF-style: chr12-56563651-C-G.
Other names: c.2457G>C, p.Glu819Asp (NM_001130420.3, NM_139067.4); c.2364G>C, p.Glu788Asp (NM_003075.5); short protein forms E788D, E819D.
Identifiers: ClinVar variation 3899432 (VCV003899432.1).
Genomic context (GRCh38, chr12:56,169,867, plus strand): 5'-CTTCTCACTGTCGCCTTCTTTCCCTTTCTCCTCATCCTTCTTGGGAGCCTCGCTGGTTTT[C>G]TCTTTTGCTTCCTCCTCTATAGCACCCCCTCCTTCTCGGGGTTCCTGAAATTCCAGTGAT-3'
Protein context (NP_001317217.1, residues 809-829): GGGAIEEEAK[Glu819Asp]KTSEAPKKDE